The following is an entry in ClinVar:

ClinVar aggregate classification (germline): Uncertain significance (1 of 4 stars; one submission).

Conditions:
Hereditary spastic paraplegia 4. Also called: Spastic paraplegia 4, autosomal dominant; Familial spastic paraplegia autosomal dominant 2; Spastic Paraplegia 4. Identifiers: Orphanet 100985, MedGen C1866855, MONDO:0008438, OMIM 182601.

Submission:

Labcorp Genetics (formerly Invitae), Labcorp
Classification: Uncertain significance for Hereditary spastic paraplegia 4. Last evaluated: 2023-10-06. Review status: criteria provided, single submitter. Criteria: Invitae Variant Classification Sherloc (09022015). Collection method: clinical testing. Allele origin: germline.
Comment: This sequence change replaces glutamine, which is neutral and polar, with proline, which is neutral and non-polar, at codon 599 of the SPAST protein (p.Gln599Pro). This variant is not present in population databases (gnomAD no frequency). This variant has not been reported in the literature in individuals affected with SPAST-related conditions. Advanced modeling of protein sequence and biophysical properties (such as structural, functional, and spatial information, amino acid conservation, physicochemical variation, residue mobility, and thermodynamic stability) performed at Invitae indicates that this missense variant is not expected to disrupt SPAST protein function. In summary, the available evidence is currently insufficient to determine the role of this variant in disease. Therefore, it has been classified as a Variant of Uncertain Significance.

NM_014946.4(SPAST):c.1796A>C (p.Gln599Pro)

Gene: SPAST (spastin; plus strand). Cytogenetic location: 2p22.3.
Variant type: single nucleotide variant.
Coding change: c.1796A>C on transcript NM_014946.4 (MANE Select); coding-DNA position 1796, A replaced by C.
Protein change: p.Gln599Pro; replaces glutamine 599 with proline.
Molecular consequence: missense variant. On other transcripts: 3 prime UTR variant (1).
Genome position (GRCh38, 1-based): chr2:32,154,441, A>C. VCF-style: chr2-32154441-A-C. GRCh37 (hg19) VCF-style: chr2-32379510-A-C.
Other names: c.1793A>C, p.Gln598Pro (NM_001363823.2); c.1697A>C, p.Gln566Pro (NM_001363875.2); c.*69A>C (NM_001377959.1); c.1700A>C, p.Gln567Pro (NM_199436.2); short protein forms Q566P, Q567P, Q598P, Q599P.
Identifiers: ClinVar variation 2797106 (VCV002797106.3), dbSNP rs2465946497, ClinGen allele CA346505665.
Genomic context (GRCh38, chr2:32,154,441, plus strand): 5'-ATATTCGATTATCTGACTTCACTGAATCCTTGAAAAAAATAAAACGCAGCGTCAGCCCTC[A>C]AACTTTAGAAGCGTACATACGTTGGAACAAGGACTTTGGAGATACCACTGTTTAAGGAAA-3'
Protein context (NP_055761.2, residues 589-609): LKKIKRSVSP[Gln599Pro]TLEAYIRWNK